The following is an entry in ClinVar:

ClinVar aggregate classification (germline): Uncertain significance. Review status: reviewed by expert panel (3 of 4 stars). 2 submissions from 2 submitters: Uncertain significance (1). 1 of the submissions does not count toward it. Last evaluated 2024-09-16.

Conditions:
Hereditary thrombocytopenia and hematological cancer predisposition syndrome associated with RUNX1. Also called: Familial Platelet Disorder with Propensity to Acute Myelogenous Leukemia; Familial thrombocytopenia with propensity to acute myelogenous leukemia; PLATELET DISORDER, ASPIRIN-LIKE; RUNX1 Familial Platelet Disorder with Associated Myeloid Malignancies. Identifiers: Orphanet 71290, MedGen C1832388, MeSH C563324, MONDO:0100083, OMIM 601399.
Hereditary thrombocytopenia and hematologic cancer predisposition syndrome. Identifiers: Orphanet 71290, MedGen CN281654, MONDO:0011071.

Submissions (2):

ClinGen Myeloid Malignancy Variant Curation Expert Panel
Classification: Uncertain significance for Hereditary thrombocytopenia and hematologic cancer predisposition syndrome. Last evaluated: 2024-09-16. Review status: reviewed by expert panel. Criteria: ClinGen MyeloMalig ACMG Specifications v2. Collection method: curation. Allele origin: germline. Inheritance: Autosomal dominant inheritance.
Comment: NM_001754.5(RUNX1):c.767C>T (p.Ser256Phe) is a missense variant which has a REVEL score < 0.50 (0.317), and a SpliceAI score ≤ 0.20 (0.01) (BP4). This variant is completely absent from all population databases with at least 20x coverage for RUNX1 (PM2_Supporting). In summary, the clinical significance of this variant is uncertain. ACMG/AMP criteria applied, as specified by the Myeloid Malignancy Variant Curation Expert Panel for RUNX1: BP4, PM2_supporting.

Labcorp Genetics (formerly Invitae), Labcorp
Classification: Uncertain significance for Hereditary thrombocytopenia and hematological cancer predisposition syndrome associated with RUNX1. Last evaluated: 2024-05-07. Review status: criteria provided, single submitter. Criteria: Invitae Variant Classification Sherloc (09022015). Collection method: clinical testing. Allele origin: germline. Not counted in ClinVar's aggregate classification.
Comment: This sequence change replaces serine, which is neutral and polar, with phenylalanine, which is neutral and non-polar, at codon 256 of the RUNX1 protein (p.Ser256Phe). This variant is not present in population databases (gnomAD no frequency). This variant has not been reported in the literature in individuals affected with RUNX1-related conditions. Advanced modeling of protein sequence and biophysical properties (such as structural, functional, and spatial information, amino acid conservation, physicochemical variation, residue mobility, and thermodynamic stability) performed at Invitae indicates that this missense variant is not expected to disrupt RUNX1 protein function with a negative predictive value of 80%. In summary, the available evidence is currently insufficient to determine the role of this variant in disease. Therefore, it has been classified as a Variant of Uncertain Significance.

NM_001754.5(RUNX1):c.767C>T (p.Ser256Phe)

Gene: RUNX1 (RUNX family transcription factor 1; minus strand). Cytogenetic location: 21q22.12.
Variant type: single nucleotide variant.
Coding change: c.767C>T on transcript NM_001754.5 (MANE Select); coding-DNA position 767, C replaced by T.
Protein change: p.Ser256Phe; replaces serine 256 with phenylalanine.
Molecular consequence: missense variant.
Genome position (GRCh38, 1-based): chr21:34,834,448, G>A on the plus strand (C>T on the coding strand, the complement: RUNX1 is on the minus strand). VCF-style: chr21-34834448-G-A. GRCh37 (hg19) VCF-style: chr21-36206745-G-A.
Other names: NM_001754.5(RUNX1):c.767C>T; p.Ser256Phe; c.686C>T, p.Ser229Phe (NM_001001890.3, NM_001122607.2); short protein forms S256F, S229F.
Identifiers: ClinVar variation 2743644 (VCV002743644.4), dbSNP rs2517038330, ClinGen allele CA410206731.